The following is an entry in ClinVar:

NM_000447.3(PSEN2):c.632T>A (p.Phe211Tyr)

Gene: PSEN2 (presenilin 2; plus strand). Cytogenetic location: 1q42.13.
Variant type: single nucleotide variant.
Coding change: c.632T>A on transcript NM_000447.3 (MANE Select); coding-DNA position 632, T replaced by A.
Protein change: p.Phe211Tyr; replaces phenylalanine 211 with tyrosine.
Molecular consequence: missense variant.
Genome position (GRCh38, 1-based): chr1:226,888,894, T>A. VCF-style: chr1-226888894-T-A. GRCh37 (hg19) VCF-style: chr1-227076595-T-A.
Other names: c.632T>A, p.Phe211Tyr (NM_001437537.1, NM_012486.3); short protein forms F211Y.
Identifiers: ClinVar variation 4885188 (VCV004885188.2).

ClinVar aggregate classification (germline): Uncertain significance (1 of 4 stars; one submission).

gnomAD v4.1: 1 of 1,614,174 alleles (0.000062%); highest among the groups gnomAD compares: African/African-American, 0.0013%; no homozygotes.

Submission:

Dasa
Classification: Uncertain significance. Last evaluated: 2025-06-22. Review status: criteria provided, single submitter. Criteria: DASA Assertion Criteria. Collection method: clinical testing. Allele origin: germline.
Comment: NM_000447.3(PSEN2):c.632T>A (p.Phe211Tyr) is a missense variant that results in the substitution of phenylalanine with tyrosine. This variant is rare in population databases. Computational prediction algorithms are consistent with a deleterious effect. The currently available literature and clinical evidence are not sufficient to establish a definitive association between this variant and the reported condition. Therefore, this variant is classified as a variant of uncertain significance.